The following is an entry in ClinVar:

NM_004472.3(FOXD1):c.318_338del (p.Gly107_Gly113del)

Gene: FOXD1 (forkhead box D1; minus strand). Cytogenetic location: 5q13.2.
Variant type: Deletion.
Coding change: c.318_338del on transcript NM_004472.3 (MANE Select); coding-DNA positions 318 to 338, 21 bases deleted (CGGCGGCGCGGGCGGCGGCGG).
Protein change: p.Gly107_Gly113del.
Genome position (GRCh38, 1-based): chr5:73,448,025-73,448,045, CCGCCGCCGCCCGCGCCGCCG deleted on the plus strand (CGGCGGCGCGGGCGGCGGCGG on the coding strand, the reverse complement: FOXD1 is on the minus strand); deleting any 21 consecutive bases within chr5:73,448,025-73,448,057 gives the same sequence; the c. name uses the placement nearest the transcript's 3' end. VCF-style (leftmost placement, unchanged base first): chr5-73448024-CCCGCCGCCGCCCGCGCCGCCG-C. GRCh37 (hg19) VCF-style: chr5-72743849-CCCGCCGCCGCCCGCGCCGCCG-C.
Identifiers: ClinVar variation 3034442 (VCV003034442.2), dbSNP rs762554100, ClinGen allele CA3303094.

ClinVar aggregate classification (germline): Likely benign (0 of 4 stars; one submission).

Conditions:
FOXD1-related disorder. Also called: FOXD1-related condition.

Submission:

PreventionGenetics, part of Exact Sciences
Classification: Likely benign for FOXD1-related condition. Last evaluated: 2019-06-12. Review status: no assertion criteria provided. Collection method: clinical testing. Allele origin: germline.
Comment: This variant is classified as likely benign based on ACMG/AMP sequence variant interpretation guidelines (Richards et al. 2015 PMID: 25741868, with internal and published modifications).